The following is an entry in ClinVar:

ClinVar aggregate classification (germline): Uncertain significance. Review status: criteria provided, multiple submitters, no conflicts (2 of 4 stars). 3 submissions from 3 submitters: Uncertain significance (3). Last evaluated 2025-04-18.

Conditions:
Inborn genetic diseases. Identifiers: MedGen C0950123, MeSH D030342.

Allele frequency attached by ClinVar (database versions not stated): gnomAD 0.00005 and 0.00006; ESP Exome Variant Server 0.00008; ExAC 0.00002.
gnomAD v4.1: 59 of 1,604,308 alleles (0.0037%); highest among the groups gnomAD compares: Non-Finnish European, 0.0042%; no homozygotes.

Submissions (3):

Ambry Genetics
Classification: Uncertain significance for Inborn genetic diseases. Last evaluated: 2025-04-18. Review status: criteria provided, single submitter. Criteria: Ambry Variant Classification Scheme 2023. Collection method: clinical testing. Allele origin: germline.

GeneDx
Classification: Uncertain significance. Last evaluated: 2019-04-26. Review status: criteria provided, single submitter. Criteria: GeneDx Variant Classification Process June 2021. Collection method: clinical testing. Allele origin: germline. Affected: yes.
Comment: In silico analysis, which includes protein predictors and evolutionary conservation, supports that this variant does not alter protein structure/function; Has not been previously published as pathogenic or benign to our knowledge

Breakthrough Genomics
Classification: Uncertain significance. Review status: criteria provided, single submitter. Criteria: ACMG Guidelines, 2015. Collection method: not provided. Allele origin: germline. Inheritance: Unknown mechanism. Affected: yes.

NM_019885.4(CYP26B1):c.1505C>T (p.Pro502Leu)

Gene: CYP26B1 (cytochrome P450 family 26 subfamily B member 1; minus strand). Cytogenetic location: 2p13.2.
Variant type: single nucleotide variant.
Coding change: c.1505C>T on transcript NM_019885.4 (MANE Select); coding-DNA position 1505, C replaced by T.
Protein change: p.Pro502Leu; replaces proline 502 with leucine.
Molecular consequence: missense variant.
Genome position (GRCh38, 1-based): chr2:72,132,261, G>A on the plus strand (C>T on the coding strand, the complement: CYP26B1 is on the minus strand). VCF-style: chr2-72132261-G-A. GRCh37 (hg19) VCF-style: chr2-72359390-G-A.
Other names: c.1280C>T, p.Pro427Leu (NM_001277742.2); c.1505C>T (NM_019885.2); short protein forms P427L, P502L.
Identifiers: ClinVar variation 1305469 (VCV001305469.6), dbSNP rs375261360, ClinGen allele CA1707733.
Genomic context (GRCh38, chr2:72,132,261, plus strand): 5'-CTGGGCTGAGGCGGGTGGGTCTTGGGTTAGACTGTGGCGCTCAGCATGGCCTCCGTCTCC[G>A]GCAGGATCTCGTTCTGGTTGGAGTCCAGGCCAAAGAACTTGACGCTGAGGCCATCCACGG-3'
Protein context (NP_063938.1, residues 492-512): GLDSNQNEIL[Pro502Leu]ETEAMLSATV